The following is an entry in ClinVar:

ClinVar aggregate classification (germline): Uncertain significance. Review status: criteria provided, multiple submitters, no conflicts (2 of 4 stars). 3 submissions from 3 submitters: Uncertain significance (3). Last evaluated 2026-09-21.

Conditions:
Charcot-Marie-Tooth disease type 2. Also called: Charcot-Marie-Tooth type 2. Identifiers: Orphanet 64746, MedGen C0270914, MONDO:0018993.

Allele frequency attached by ClinVar (database versions not stated): gnomAD exomes below 0.00001; ExAC 0.00001.
gnomAD v4.1: 1 of 1,614,128 alleles (0.000062%); highest among the groups gnomAD compares: Non-Finnish European, 0.000085%; no homozygotes.

Submissions (3):

GeneDx
Classification: Uncertain significance. Last evaluated: 2026-09-21. Review status: criteria provided, single submitter. Criteria: GeneDx Variant Classification Process June 2021. Collection method: clinical testing. Allele origin: germline.
Comment: Not observed at significant frequency in large population cohorts (gnomAD); In silico analysis supports that this missense variant has a deleterious effect on protein structure/function; Has not been previously published as pathogenic or benign to our knowledge; This variant is associated with the following publications: (PMID: 10939567)

Athena Diagnostics
Classification: Uncertain significance. Last evaluated: 2021-08-31. Review status: criteria provided, single submitter. Criteria: Athena Diagnostics Criteria. Collection method: clinical testing. Allele origin: unknown.

Labcorp Genetics (formerly Invitae), Labcorp
Classification: Uncertain significance for Charcot-Marie-Tooth disease type 2. Last evaluated: 2019-07-06. Review status: criteria provided, single submitter. Criteria: Invitae Variant Classification Sherloc (09022015). Collection method: clinical testing. Allele origin: germline.
Comment: This variant is present in population databases (rs770744765, ExAC 0.001%). In summary, the available evidence is currently insufficient to determine the role of this variant in disease. Therefore, it has been classified as a Variant of Uncertain Significance. This variant has not been reported in the literature in individuals with LMNA-related conditions. Algorithms developed to predict the effect of missense changes on protein structure and function (SIFT, PolyPhen-2, Align-GVGD) all suggest that this variant is likely to be disruptive, but these predictions have not been confirmed by published functional studies and their clinical significance is uncertain. This sequence change replaces lysine with glutamine at codon 208 of the LMNA protein (p.Lys208Gln). The lysine residue is highly conserved and there is a small physicochemical difference between lysine and glutamine.

Literature cited by the submitters: PubMed 28679633 (cited by Athena Diagnostics).

NM_170707.4(LMNA):c.622A>C (p.Lys208Gln)

Gene: LMNA (lamin A/C; plus strand). Cytogenetic location: 1q22.
Variant type: single nucleotide variant.
Coding change: c.622A>C on transcript NM_170707.4 (MANE Select); coding-DNA position 622, A replaced by C.
Protein change: p.Lys208Gln; replaces lysine 208 with glutamine.
Molecular consequence: missense variant.
Genome position (GRCh38, 1-based): chr1:156,134,511, A>C. VCF-style: chr1-156134511-A-C. GRCh37 (hg19) VCF-style: chr1-156104302-A-C.
Other names: c.286A>C, p.Lys96Gln (NM_001257374.3); c.379A>C, p.Lys127Gln (NM_001282624.2); c.622A>C, p.Lys208Gln (NM_001282625.2, NM_001282626.2, NM_005572.4 and 1 more transcripts); short protein forms K127Q, K96Q, K208Q.
Identifiers: ClinVar variation 960703 (VCV000960703.13), dbSNP rs770744765, ClinGen allele CA053839.